The following is an entry in ClinVar:

NM_001267550.2(TTN):c.19015T>C (p.Tyr6339His)

Gene: TTN (titin; minus strand). Cytogenetic location: 2q31.2.
Variant type: single nucleotide variant.
Coding change: c.19015T>C on transcript NM_001267550.2 (MANE Select); coding-DNA position 19015, T replaced by C.
Protein change: p.Tyr6339His; replaces tyrosine 6339 with histidine.
Molecular consequence: missense variant. On other transcripts: intron variant (3).
Genome position (GRCh38, 1-based): chr2:178,729,023, A>G on the plus strand (T>C on the coding strand, the complement: TTN is on the minus strand). VCF-style: chr2-178729023-A-G. GRCh37 (hg19) VCF-style: chr2-179593750-A-G.
Other names: c.15283T>C, p.Tyr5095His (NM_133378.4); c.18064T>C, p.Tyr6022His (NM_001256850.1); c.13282+9059T>C (NM_003319.4); c.13858+9059T>C (NM_133437.4); c.13657+9059T>C (NM_133432.3); short protein forms Y6339H, Y5095H, Y6022H.
Identifiers: ClinVar variation 46652 (VCV000046652.4), dbSNP rs397517490, ClinGen allele CA138868.

ClinVar aggregate classification (germline): Uncertain significance (1 of 4 stars; one submission).

Allele frequency attached by ClinVar (database versions not stated): TOPMed below 0.00001 and 0.00001.

Submission:

Laboratory for Molecular Medicine, Mass General Brigham Personalized Medicine
Classification: Uncertain significance. Last evaluated: 2012-03-14. Review status: criteria provided, single submitter. Criteria: LMM Criteria. Collection method: clinical testing. Allele origin: germline. Observed: 1 variant allele.
Comment: The Tyr5095His variant (TTN) has not been reported in the literature nor previously identified by our laboratory. Conservation and computational analyses are limited or unavailable for this variant. Additional information is needed to fully assess the clinical significance of this variant.